The following is an entry in ClinVar:

NM_001099403.2(PRDM8):c.424C>T (p.Pro142Ser)

Genes: PRDM8 (PR/SET domain 8; plus strand), LOC126807094 (CDK7 strongly-dependent group 2 enhancer GRCh37_chr4:81121978-81123177; plus strand). Cytogenetic location: 4q21.21.
Variant type: single nucleotide variant.
Coding change: c.424C>T on transcript NM_001099403.2 (MANE Select); coding-DNA position 424, C replaced by T.
Protein change: p.Pro142Ser; replaces proline 142 with serine.
Molecular consequence: missense variant.
Genome position (GRCh38, 1-based): chr4:80,201,494, C>T. VCF-style: chr4-80201494-C-T. GRCh37 (hg19) VCF-style: chr4-81122648-C-T.
Other names: c.424C>T, p.Pro142Ser (NM_020226.4); c.424C>T (NM_020226.3); short protein forms P142S.
Identifiers: ClinVar variation 2107873 (VCV002107873.5), dbSNP rs902909826, ClinGen allele CA99999072.

ClinVar aggregate classification (germline): Uncertain significance. Review status: criteria provided, multiple submitters, no conflicts (2 of 4 stars). 2 submissions from 2 submitters: Uncertain significance (2). Last evaluated 2025-12-04.

Conditions:
Early-onset Lafora body disease. Also called: Epilepsy, progressive myoclonic, 10. Identifiers: Orphanet 324290, MedGen C4225258, MONDO:0014717, OMIM 616640.

Allele frequency attached by ClinVar (database versions not stated): TOPMed 0.00001.

Submissions (2):

Ambry Genetics
Classification: Uncertain significance. Last evaluated: 2025-12-04. Review status: criteria provided, single submitter. Criteria: Ambry Variant Classification Scheme 2023. Collection method: clinical testing. Allele origin: germline.

Labcorp Genetics (formerly Invitae), Labcorp
Classification: Uncertain significance for Early-onset Lafora body disease. Last evaluated: 2022-03-09. Review status: criteria provided, single submitter. Criteria: Invitae Variant Classification Sherloc (09022015). Collection method: clinical testing. Allele origin: germline.
Comment: In summary, the available evidence is currently insufficient to determine the role of this variant in disease. Therefore, it has been classified as a Variant of Uncertain Significance. Algorithms developed to predict the effect of missense changes on protein structure and function output the following: SIFT: "Tolerated"; PolyPhen-2: "Benign"; Align-GVGD: "Class C0". The serine amino acid residue is found in multiple mammalian species, which suggests that this missense change does not adversely affect protein function. This variant has not been reported in the literature in individuals affected with PRDM8-related conditions. This variant is not present in population databases (gnomAD no frequency). This sequence change replaces proline, which is neutral and non-polar, with serine, which is neutral and polar, at codon 142 of the PRDM8 protein (p.Pro142Ser).